The following is an entry in ClinVar:

ClinVar aggregate classification (germline): Uncertain significance (1 of 4 stars; one submission).

Submission:

GeneDx
Classification: Uncertain significance. Last evaluated: 2016-12-02. Review status: criteria provided, single submitter. Criteria: GeneDx Variant Classification (06012015). Collection method: clinical testing. Allele origin: germline. Affected: yes.
Comment: The L797F variant in the MYH3 gene has not been reported previously as a pathogenic variant, nor as a benign variant, to our knowledge. The L797F variant was not observed in approximately 6500 individuals of European and African American ancestry in the NHLBI Exome Sequencing Project, indicating it is not a common benign variant in these populations. The L797F variant is a conservative amino acid substitution, which is not likely to impact secondary protein structure as these residues share similar properties. This substitution occurs at a position where amino acids with similar properties to Leucine are tolerated across species. In silico analysis predicts this variant is probably damaging to the protein structure/function. We interpret L797F as a variant of uncertain significance.

NM_002470.4(MYH3):c.2389C>T (p.Leu797Phe)

Gene: MYH3 (myosin heavy chain 3; minus strand). Cytogenetic location: 17p13.1.
Variant type: single nucleotide variant.
Coding change: c.2389C>T on transcript NM_002470.4 (MANE Select); coding-DNA position 2389, C replaced by T.
Protein change: p.Leu797Phe; replaces leucine 797 with phenylalanine.
Molecular consequence: missense variant.
Genome position (GRCh38, 1-based): chr17:10,640,370, G>A on the plus strand (C>T on the coding strand, the complement: MYH3 is on the minus strand). VCF-style: chr17-10640370-G-A. GRCh37 (hg19) VCF-style: chr17-10543687-G-A.
Other names: short protein forms L797F.
Identifiers: ClinVar variation 373683 (VCV000373683.1), dbSNP rs1057518547, ClinGen allele CA16043038.
Genomic context (GRCh38, chr17:10,640,370, plus strand): 5'-TCTGAACAAAGACCCTGCTGGACCTCCTCTGCACCATCTTCTGGAATTCCACACGCATGA[G>A]GAACCCTCTGCACACAGCTTGTGTCCGGGTGATTAGTTTGGCCAGGCGGTCATCCCGCAT-3'
Protein context (NP_002461.2, residues 787-807): TRTQAVCRGF[Leu797Phe]MRVEFQKMVQ